The following is an entry in ClinVar:

ClinVar aggregate classification (germline): Uncertain significance (1 of 4 stars; one submission).

Submission:

Labcorp Genetics (formerly Invitae), Labcorp
Classification: Uncertain significance. Last evaluated: 2022-06-13. Review status: criteria provided, single submitter. Criteria: Invitae Variant Classification Sherloc (09022015). Collection method: clinical testing. Allele origin: germline.
Comment: This sequence change replaces aspartic acid, which is acidic and polar, with glutamic acid, which is acidic and polar, at codon 443 of the TOPORS protein (p.Asp443Glu). This variant is not present in population databases (gnomAD no frequency). This variant has not been reported in the literature in individuals affected with TOPORS-related conditions. Algorithms developed to predict the effect of missense changes on protein structure and function (SIFT, PolyPhen-2, Align-GVGD) all suggest that this variant is likely to be tolerated. In summary, the available evidence is currently insufficient to determine the role of this variant in disease. Therefore, it has been classified as a Variant of Uncertain Significance.

NM_005802.5(TOPORS):c.1329C>A (p.Asp443Glu)

Gene: TOPORS (TOP1 binding arginine/serine rich protein, E3 ubiquitin ligase; minus strand). Cytogenetic location: 9p21.1.
Variant type: single nucleotide variant.
Coding change: c.1329C>A on transcript NM_005802.5 (MANE Select); coding-DNA position 1329, C replaced by A.
Protein change: p.Asp443Glu; replaces aspartic acid 443 with glutamic acid.
Molecular consequence: missense variant.
Genome position (GRCh38, 1-based): chr9:32,543,196, G>T on the plus strand (C>A on the coding strand, the complement: TOPORS is on the minus strand). VCF-style: chr9-32543196-G-T. GRCh37 (hg19) VCF-style: chr9-32543194-G-T.
Other names: c.1134C>A, p.Asp378Glu (NM_001195622.2); short protein forms D378E, D443E.
Identifiers: ClinVar variation 1447326 (VCV001447326.6), dbSNP rs1318372557, ClinGen allele CA373170257.